The following is an entry in ClinVar:

NM_002907.4(RECQL):c.829T>C (p.Phe277Leu)

Gene: RECQL (RecQ like helicase; minus strand). Cytogenetic location: 12p12.1.
Variant type: single nucleotide variant.
Coding change: c.829T>C on transcript NM_002907.4 (MANE Select); coding-DNA position 829, T replaced by C.
Protein change: p.Phe277Leu; replaces phenylalanine 277 with leucine.
Molecular consequence: missense variant.
Genome position (GRCh38, 1-based): chr12:21,477,841, A>G on the plus strand (T>C on the coding strand, the complement: RECQL is on the minus strand). VCF-style: chr12-21477841-A-G. GRCh37 (hg19) VCF-style: chr12-21630775-A-G.
Other names: c.829T>C, p.Phe277Leu (NM_032941.3); short protein forms F277L.
Identifiers: ClinVar variation 1762811 (VCV001762811.9), dbSNP rs976563645, ClinGen allele CA233571061.
Genomic context (GRCh38, chr12:21,477,841, plus strand): 5'-AATTGACATAAAAATTACATACCTCATAATATAGATTTGGCCTATTAAAAGAAGCTGTAA[A>G]AGTAAAACACTTTTCAATGCACAAAATTTTCTGAGCATCCGTCAAAACGTGATTTGTTGC-3'
Protein context (NP_002898.2, residues 267-287): KILCIEKCFT[Phe277Leu]TASFNRPNLY

ClinVar aggregate classification (germline): Uncertain significance. Review status: criteria provided, multiple submitters, no conflicts (2 of 4 stars). 2 submissions from 2 submitters: Uncertain significance (2). Last evaluated 2025-08-07.

Allele frequency attached by ClinVar (database versions not stated): gnomAD exomes 0.00001.
gnomAD v4.1: 12 of 1,613,600 alleles (0.00074%); highest among the groups gnomAD compares: Non-Finnish European, 0.001%; no homozygotes.

Submissions (2):

Ambry Genetics
Classification: Uncertain significance. Last evaluated: 2025-08-07. Review status: criteria provided, single submitter. Criteria: Ambry Variant Classification Scheme 2023. Collection method: clinical testing. Allele origin: germline.
Comment: The p.F277L variant (also known as c.829T>C), located in coding exon 6 of the RECQL gene, results from a T to C substitution at nucleotide position 829. The phenylalanine at codon 277 is replaced by leucine, an amino acid with highly similar properties. This amino acid position is well conserved in available vertebrate species. In addition, this alteration is predicted to be tolerated by in silico analysis. Since supporting evidence is limited at this time, the clinical significance of this alteration remains unclear.

Labcorp Genetics (formerly Invitae), Labcorp
Classification: Uncertain significance. Last evaluated: 2024-10-15. Review status: criteria provided, single submitter. Criteria: Invitae Variant Classification Sherloc (09022015). Collection method: clinical testing. Allele origin: germline.
Comment: This sequence change replaces phenylalanine, which is neutral and non-polar, with leucine, which is neutral and non-polar, at codon 277 of the RECQL protein (p.Phe277Leu). This variant is present in population databases (no rsID available, gnomAD 0.0009%). This variant has not been reported in the literature in individuals affected with RECQL-related conditions. ClinVar contains an entry for this variant (Variation ID: 1762811). Invitae Evidence Modeling of protein sequence and biophysical properties (such as structural, functional, and spatial information, amino acid conservation, physicochemical variation, residue mobility, and thermodynamic stability) indicates that this missense variant is not expected to disrupt RECQL protein function with a negative predictive value of 80%. In summary, the available evidence is currently insufficient to determine the role of this variant in disease. Therefore, it has been classified as a Variant of Uncertain Significance.